The following is an entry in ClinVar:

NM_015030.2(FRYL):c.6324G>C (p.Leu2108Phe)

Gene: FRYL (FRY like transcription coactivator; minus strand). Cytogenetic location: 4p11.
Variant type: single nucleotide variant.
Coding change: c.6324G>C on transcript NM_015030.2 (MANE Select); coding-DNA position 6324, G replaced by C.
Protein change: p.Leu2108Phe; replaces leucine 2108 with phenylalanine.
Molecular consequence: missense variant.
Genome position (GRCh38, 1-based): chr4:48,540,040, C>G on the plus strand (G>C on the coding strand, the complement: FRYL is on the minus strand). VCF-style: chr4-48540040-C-G. GRCh37 (hg19) VCF-style: chr4-48542057-C-G.
Other names: short protein forms L2108F.
Identifiers: ClinVar variation 4077339 (VCV004077339.1).

ClinVar aggregate classification (germline): Uncertain significance (1 of 4 stars; one submission).

Submission:

GeneDx
Classification: Uncertain significance. Last evaluated: 2025-02-27. Review status: criteria provided, single submitter. Criteria: GeneDx Variant Classification Process June 2021. Collection method: clinical testing. Allele origin: germline. Affected: yes.
Comment: Not observed at significant frequency in large population cohorts (gnomAD); In silico analysis supports that this missense variant has a deleterious effect on protein structure/function; Has not been previously published as pathogenic or benign to our knowledge; In silico analysis suggests this variant may impact gene splicing. In the absence of RNA/functional studies, the actual effect of this sequence change is unknown.